The following is an entry in ClinVar:

NM_001114753.3(ENG):c.1286dup (p.Leu430fs)

Genes: ENG (endoglin; minus strand), LOC102723566 (uncharacterized LOC102723566; plus strand). Cytogenetic location: 9q34.11.
Variant type: Duplication.
Coding change: c.1286dup on transcript NM_001114753.3 (MANE Select); coding-DNA position 1286, one base duplicated (T; older notation c.1286dupT).
Protein change: p.Leu430fs; shifts the reading frame from leucine 430.
Molecular consequence: frameshift variant.
Genome position (GRCh38, 1-based): chr9:127,819,647, A duplicated on the plus strand (T on the coding strand, the reverse complement: ENG is on the minus strand). VCF-style (leftmost placement, unchanged base first): chr9-127819646-G-GA. GRCh37 (hg19) VCF-style: chr9-130581925-G-GA.
Other names: c.1286dup, p.Leu430Profs (NM_000118.4); c.740dup, p.Leu248fs (NM_001278138.2); c.1286dupT (NM_000118.3); short protein forms L248fs, L430fs.
Identifiers: ClinVar variation 458333 (VCV000458333.9), dbSNP rs1554809455, ClinGen allele CA658656051.

ClinVar aggregate classification (germline): Pathogenic (1 of 4 stars; one submission).

Conditions:
Hereditary hemorrhagic telangiectasia (HHT). Also called: ORW DISEASE; Osler Weber Rendu syndrome; OSLER-RENDU-WEBER DISEASE; Osler hemorrhagic telangiectasia syndrome. Identifiers: Orphanet 774, MedGen C0039445, MONDO:0019180. Disease mechanism: loss of function.

Submission:

Labcorp Genetics (formerly Invitae), Labcorp
Classification: Pathogenic for Hereditary hemorrhagic telangiectasia. Last evaluated: 2017-05-20. Review status: criteria provided, single submitter. Criteria: Invitae Variant Classification Sherloc (09022015). Collection method: clinical testing. Allele origin: germline.
Comment: This sequence change creates a premature translational stop signal (p.Leu430Profs*71) in the ENG gene. It is expected to result in an absent or disrupted protein product. This variant is not present in population databases (ExAC no frequency). This variant has not been reported in the literature in individuals with a ENG-related disease. Loss-of-function variants in ENG are known to be pathogenic (PMID: 21158752, 12673790). For these reasons, this variant has been classified as Pathogenic.

Literature cited by the submitters: PubMed 21158752; PubMed 12673790.